The following is an entry in ClinVar:

ClinVar aggregate classification (germline): Uncertain significance. Review status: criteria provided, multiple submitters, no conflicts (2 of 4 stars). 3 submissions from 3 submitters: Uncertain significance (3). Last evaluated 2023-06-01.

Submissions (3):

Ambry Genetics
Classification: Uncertain significance. Last evaluated: 2023-06-01. Review status: criteria provided, single submitter. Criteria: Ambry Variant Classification Scheme 2023. Collection method: clinical testing. Allele origin: germline.
Comment: The p.G375A variant (also known as c.1124G>C), located in coding exon 9 of the FAM175A gene, results from a G to C substitution at nucleotide position 1124. The glycine at codon 375 is replaced by alanine, an amino acid with similar properties. This amino acid position is conserved. In addition, this alteration is predicted to be tolerated by in silico analysis. Since supporting evidence is limited at this time, the clinical significance of this alteration remains unclear.

Women's Health and Genetics/Laboratory Corporation of America, LabCorp
Classification: Uncertain significance. Last evaluated: 2022-12-17. Review status: criteria provided, single submitter. Criteria: LabCorp Variant Classification Summary - May 2015. Collection method: clinical testing. Allele origin: germline.

Labcorp Genetics (formerly Invitae), Labcorp
Classification: Uncertain significance. Last evaluated: 2020-08-16. Review status: criteria provided, single submitter. Criteria: Invitae Variant Classification Sherloc (09022015). Collection method: clinical testing. Allele origin: germline.
Comment: In summary, the available evidence is currently insufficient to determine the role of this variant in disease. Therefore, it has been classified as a Variant of Uncertain Significance. Algorithms developed to predict the effect of missense changes on protein structure and function (SIFT, PolyPhen-2, Align-GVGD) all suggest that this variant is likely to be tolerated, but these predictions have not been confirmed by published functional studies and their clinical significance is uncertain. This variant has not been reported in the literature in individuals with ABRAXAS1-related conditions. This variant is not present in population databases (ExAC no frequency). This sequence change replaces glycine with alanine at codon 375 of the ABRAXAS1 protein (p.Gly375Ala). The glycine residue is weakly conserved and there is a small physicochemical difference between glycine and alanine.

NM_139076.3(ABRAXAS1):c.1124G>C (p.Gly375Ala)

Gene: ABRAXAS1 (abraxas 1, BRCA1 A complex subunit; minus strand). Cytogenetic location: 4q21.23.
Variant type: single nucleotide variant.
Coding change: c.1124G>C on transcript NM_139076.3 (MANE Select); coding-DNA position 1124, G replaced by C.
Protein change: p.Gly375Ala; replaces glycine 375 with alanine.
Molecular consequence: missense variant.
Genome position (GRCh38, 1-based): chr4:83,462,575, C>G on the plus strand (G>C on the coding strand, the complement: ABRAXAS1 is on the minus strand). VCF-style: chr4-83462575-C-G. GRCh37 (hg19) VCF-style: chr4-84383728-C-G.
Other names: c.797G>C, p.Gly266Ala (NM_001345962.2); short protein forms G266A, G375A.
Identifiers: ClinVar variation 1057052 (VCV001057052.11), dbSNP rs751122263, ClinGen allele CA357255085.
Genomic context (GRCh38, chr4:83,462,575, plus strand): 5'-TCAATTTCTTCATCTGTTTCTGGGCTGCTCATTTTGGATGCTTTATCTTGGTTACTACTA[C>G]CAGTATCTGCTTTAGATCGTTTGTCTTGTGTATCTAACAACCGAGATCTCTTGAATTGCC-3'
Protein context (NP_620775.2, residues 365-385): TQDKRSKADT[Gly375Ala]SSNQDKASKM